The following is an entry in ClinVar:

ClinVar aggregate classification (germline): Uncertain significance (1 of 4 stars; one submission).

Conditions:
Hereditary cancer-predisposing syndrome. Also called: Neoplastic Syndromes, Hereditary; Tumor predisposition; Hereditary Cancer Syndrome; Hereditary neoplastic syndrome. Identifiers: Orphanet 140162, MedGen C0027672, MeSH D009386, MONDO:0015356.

Submission:

Ambry Genetics
Classification: Uncertain significance for Hereditary cancer-predisposing syndrome. Last evaluated: 2025-12-21. Review status: criteria provided, single submitter. Criteria: Ambry Variant Classification Scheme 2023. Collection method: clinical testing. Allele origin: germline.
Comment: The p.R45G variant (also known as c.133A>G), located in coding exon 1 of the PRKAR1A gene, results from an A to G substitution at nucleotide position 133. The arginine at codon 45 is replaced by glycine, an amino acid with dissimilar properties. This amino acid position is conserved. In addition, this alteration is predicted to be deleterious by in silico analysis. Based on the available evidence, the clinical significance of this variant remains unclear.

NM_002734.5(PRKAR1A):c.133A>G (p.Arg45Gly)

Gene: PRKAR1A (protein kinase cAMP-dependent type I regulatory subunit alpha; plus strand). Cytogenetic location: 17q24.2.
Variant type: single nucleotide variant.
Coding change: c.133A>G on transcript NM_002734.5 (MANE Select); coding-DNA position 133, A replaced by G.
Protein change: p.Arg45Gly; replaces arginine 45 with glycine.
Molecular consequence: missense variant.
Genome position (GRCh38, 1-based): chr17:68,515,532, A>G. VCF-style: chr17-68515532-A-G. GRCh37 (hg19) VCF-style: chr17-66511673-A-G.
Other names: c.133A>G, p.Arg45Gly (NM_001276289.2, NM_001276290.1, NM_001278433.2 and 4 more transcripts); short protein forms R45G.
Identifiers: ClinVar variation 4841388 (VCV004841388.1).
Genomic context (GRCh38, chr17:68,515,532, plus strand): 5'-CATAACATTCAAGCGCTGCTCAAAGATTCTATTGTGCAGTTGTGCACTGCTCGACCTGAG[A>G]GACCCATGGCATTCCTCAGGGAATACTTTGAGAGGTTGGAGAAGGTAAAAATAAATGTGG-3'
Protein context (NP_002725.1, residues 35-55): IVQLCTARPE[Arg45Gly]PMAFLREYFE